The following is an entry in ClinVar:

NM_181426.2(CCDC39):c.2005C>A (p.Gln669Lys)

Gene: CCDC39 (coiled-coil domain 39 molecular ruler complex subunit; minus strand). Cytogenetic location: 3q26.33.
Variant type: single nucleotide variant.
Coding change: c.2005C>A on transcript NM_181426.2 (MANE Select); coding-DNA position 2005, C replaced by A.
Protein change: p.Gln669Lys; replaces glutamine 669 with lysine.
Molecular consequence: missense variant.
Genome position (GRCh38, 1-based): chr3:180,619,964, G>T on the plus strand (C>A on the coding strand, the complement: CCDC39 is on the minus strand). VCF-style: chr3-180619964-G-T. GRCh37 (hg19) VCF-style: chr3-180337752-G-T.
Other names: c.2005C>A (NM_181426.1); short protein forms Q669K.
Identifiers: ClinVar variation 1522547 (VCV001522547.7), dbSNP rs751147958, ClinGen allele CA2715787.

ClinVar aggregate classification (germline): Uncertain significance. Review status: criteria provided, multiple submitters, no conflicts (2 of 4 stars). 3 submissions from 3 submitters: Uncertain significance (3). Last evaluated 2024-11-13.

Conditions:
Primary ciliary dyskinesia. Also called: Ciliary dyskinesia. Identifiers: Orphanet 244, MedGen C0008780, MONDO:0016575, HP:0012265.

Allele frequency attached by ClinVar (database versions not stated): gnomAD 0.00005 and 0.00006; gnomAD exomes 0.00015 and 0.00004; ExAC 0.00004.
gnomAD v4.1: 213 of 1,602,594 alleles (0.013%); highest among the groups gnomAD compares: Non-Finnish European, 0.017%; no homozygotes.

Submissions (3):

Ambry Genetics
Classification: Uncertain significance for Primary ciliary dyskinesia. Last evaluated: 2024-11-13. Review status: criteria provided, single submitter. Criteria: Ambry Variant Classification Scheme 2023. Collection method: clinical testing. Allele origin: germline.
Comment: The p.Q669K variant (also known as c.2005C>A), located in coding exon 15 of the CCDC39 gene, results from a C to A substitution at nucleotide position 2005. The glutamine at codon 669 is replaced by lysine, an amino acid with similar properties. This amino acid position is conserved. In addition, the in silico prediction for this alteration is inconclusive. Based on the available evidence, the clinical significance of this variant remains unclear.

Molecular Genetics McLendon Clinical Laboratories, University of North Carolina at Chapel Hill
Classification: Uncertain significance for Primary ciliary dyskinesia. Last evaluated: 2022-12-01. Review status: criteria provided, single submitter. Criteria: ACMG Guidelines, 2015. Collection method: clinical testing. Allele origin: germline.

Labcorp Genetics (formerly Invitae), Labcorp
Classification: Uncertain significance for Primary ciliary dyskinesia. Last evaluated: 2022-09-13. Review status: criteria provided, single submitter. Criteria: Invitae Variant Classification Sherloc (09022015). Collection method: clinical testing. Allele origin: germline.
Comment: This sequence change replaces glutamine, which is neutral and polar, with lysine, which is basic and polar, at codon 669 of the CCDC39 protein (p.Gln669Lys). This variant is present in population databases (rs751147958, gnomAD 0.007%). This variant has not been reported in the literature in individuals affected with CCDC39-related conditions. ClinVar contains an entry for this variant (Variation ID: 1522547). Algorithms developed to predict the effect of missense changes on protein structure and function are either unavailable or do not agree on the potential impact of this missense change (SIFT: "Deleterious"; PolyPhen-2: "Probably Damaging"; Align-GVGD: "Class C0"). In summary, the available evidence is currently insufficient to determine the role of this variant in disease. Therefore, it has been classified as a Variant of Uncertain Significance.